The following is an entry in ClinVar:

NM_001715.3(BLK):c.1393T>C (p.Tyr465His)

Gene: BLK (BLK proto-oncogene, Src family tyrosine kinase). Cytogenetic location: 8p23.1.
Variant type: single nucleotide variant.
Coding change: c.1393T>C on transcript NM_001715.3 (MANE Select); coding-DNA position 1393, T replaced by C.
Protein change: p.Tyr465His; replaces tyrosine 465 with histidine.
Molecular consequence: missense variant.
Genome position (GRCh38, 1-based): chr8:11,563,983, T>C. VCF-style: chr8-11563983-T-C. GRCh37 (hg19) VCF-style: chr8-11421492-T-C.
Other names: c.1180T>C, p.Tyr394His (NM_001330465.2); short protein forms Y394H, Y465H.
Identifiers: ClinVar variation 2428692 (VCV002428692.3), dbSNP rs1343166542, ClinGen allele CA370316768.

ClinVar aggregate classification (germline): Uncertain significance (1 of 4 stars; one submission).

Conditions:
Maturity-onset diabetes of the young type 11. Identifiers: Orphanet 552, MedGen C3150618, MONDO:0013242, OMIM 613375.

Allele frequency attached by ClinVar (database versions not stated): gnomAD exomes below 0.00001; TOPMed below 0.00001; gnomAD 0.00001.
gnomAD v4.1: 5 of 1,606,148 alleles (0.00031%); highest among the groups gnomAD compares: East Asian, 0.0022%; no homozygotes.

Submission:

ARUP Laboratories, Molecular Genetics and Genomics, ARUP Laboratories
Classification: Uncertain significance for Maturity-onset diabetes of the young type 11. Last evaluated: 2022-09-14. Review status: criteria provided, single submitter. Criteria: ARUP Molecular Germline Variant Investigation Process 2021. Collection method: clinical testing. Allele origin: germline.
Comment: The BLK c.1393T>C; p.Tyr465His variant, to our knowledge, is not reported in the medical literature or gene specific databases. This variant is also absent from the Genome Aggregation Database, indicating it is not a common polymorphism. The tyrosine at codon 465 is highly conserved, and computational analyses predict that this variant is deleterious (REVEL: 0.75). However, due to limited information, the clinical significance of this variant is uncertain at this time.